The following is an entry in ClinVar:

ClinVar aggregate classification (germline): Conflicting classifications of pathogenicity. Review status: criteria provided, conflicting classifications (1 of 4 stars). 5 submissions from 5 submitters: Uncertain significance (3); Likely benign (1). 1 of the submissions does not count toward it. Last evaluated 2024-11-05.

Conditions:
NBEAL2-related disorder. Also called: NBEAL2-related condition.
Gray platelet syndrome (GPS). Also called: BLEEDING DISORDER, PLATELET-TYPE, 4. Identifiers: Orphanet 721, MedGen C0272302, MONDO:0007686, OMIM 139090.
Inborn genetic diseases. Identifiers: MedGen C0950123, MeSH D030342.

Allele frequency attached by ClinVar (database versions not stated): 1000 Genomes Project 0.00020; 1000 Genomes Project 30x 0.00031; TOPMed 0.00051; gnomAD 0.00056; gnomAD exomes 0.00076 and 0.00100; ESP Exome Variant Server 0.00081; ExAC 0.00107.
gnomAD v4.1: 1,522 of 1,612,894 alleles (0.094%); highest among the groups gnomAD compares: Non-Finnish European, 0.12%; 3 homozygotes.

Submissions (5):

Blueprint Genetics
Classification: Likely benign. Last evaluated: 2024-11-05. Review status: criteria provided, single submitter. Criteria: ACMG Guidelines, 2015. Collection method: clinical testing. Allele origin: germline.

Ambry Genetics
Classification: Uncertain significance for Inborn genetic diseases. Last evaluated: 2021-10-12. Review status: criteria provided, single submitter. Criteria: Ambry Variant Classification Scheme 2023. Collection method: clinical testing. Allele origin: germline.

Genetic Services Laboratory, University of Chicago
Classification: Uncertain significance. Last evaluated: 2018-07-12. Review status: criteria provided, single submitter. Criteria: ACMG Guidelines, 2015. Collection method: clinical testing. Allele origin: germline. Affected: no.

Illumina Laboratory Services, Illumina
Classification: Uncertain significance for Gray platelet syndrome. Last evaluated: 2017-04-27. Review status: criteria provided, single submitter. Criteria: ICSL Variant Classification Criteria 13 December 2019. Collection method: clinical testing. Allele origin: germline.

PreventionGenetics, part of Exact Sciences
Classification: Likely benign for NBEAL2-related condition. Last evaluated: 2022-04-14. Review status: no assertion criteria provided. Collection method: clinical testing. Allele origin: germline. Not counted in ClinVar's aggregate classification.
Comment: This variant is classified as likely benign based on ACMG/AMP sequence variant interpretation guidelines (Richards et al. 2015 PMID: 25741868, with internal and published modifications).

NM_015175.3(NBEAL2):c.6352G>A (p.Val2118Ile)

Gene: NBEAL2 (neurobeachin like 2; plus strand). Cytogenetic location: 3p21.31.
Variant type: single nucleotide variant.
Coding change: c.6352G>A on transcript NM_015175.3 (MANE Select); coding-DNA position 6352, G replaced by A.
Protein change: p.Val2118Ile; replaces valine 2118 with isoleucine.
Molecular consequence: missense variant.
Genome position (GRCh38, 1-based): chr3:47,005,029, G>A. VCF-style: chr3-47005029-G-A. GRCh37 (hg19) VCF-style: chr3-47046519-G-A.
Other names: c.6250G>A, p.Val2084Ile (NM_001365116.2); c.6352G>A (NM_015175.1); short protein forms V2084I, V2118I.
Identifiers: ClinVar variation 899900 (VCV000899900.12), dbSNP rs146270553, ClinGen allele CA2361834.